The following is an entry in ClinVar:

ClinVar aggregate classification (germline): Uncertain significance (1 of 4 stars; one submission).

Submission:

Women's Health and Genetics/Laboratory Corporation of America, LabCorp
Classification: Uncertain significance. Last evaluated: 2026-01-05. Review status: criteria provided, single submitter. Criteria: LabCorp Variant Classification Summary - May 2015. Collection method: clinical testing. Allele origin: germline.
Comment: Variant summary: The variant involves the duplication of exon 24 in the NF1 gene. It is assumed to be a tandem duplication in direct orientation (PMIDs: 25640679, 30054569). This Copy Number Variant (CNV) is predicted to result in an in-frame duplication within this gene. A presumed nomenclature of c.(3113+1_3114-1)_(3197+1_3198-1)dup has been designated for the purposes of this classification. The variant was absent in 21694 control chromosomes. The available data on variant occurrences in the general population are insufficient to allow any conclusion about variant significance. To our knowledge, no occurrence of c.(3113+1_3114-1)_(3197+1_3198-1)dup in individuals affected with NF1-related conditions and no experimental evidence demonstrating its impact on protein function have been reported. No submitters have cited clinical-significance assessments for this variant to ClinVar. Based on the evidence outlined above, the variant was classified as uncertain significance.

NC_000017.10:g.(29557401_29557859)_(29557944_29559090)dup

Gene: NF1 (neurofibromin 1; plus strand). Cytogenetic location: 17q11.2.
Variant type: Duplication.
Identifiers: ClinVar variation 4689652 (VCV004689652.1).